The following is an entry in ClinVar:

ClinVar aggregate classification (germline): Uncertain significance (1 of 4 stars; one submission).

Conditions:
Infantile neuroaxonal dystrophy (NBIA2A). Also called: NEURODEGENERATION WITH BRAIN IRON ACCUMULATION 2A; SEITELBERGER DISEASE; Infantile neuroaxonal dystrophy 1. Identifiers: Orphanet 35069, MedGen C0270724, MONDO:0024457, OMIM 256600.

Allele frequency attached by ClinVar (database versions not stated): TOPMed below 0.00001; gnomAD exomes 0.00001 and below 0.00001.
gnomAD v4.1: 2 of 1,553,114 alleles (0.00013%); highest among the groups gnomAD compares: Admixed American, 0.0039%; no homozygotes.

Submission:

Labcorp Genetics (formerly Invitae), Labcorp
Classification: Uncertain significance for Infantile neuroaxonal dystrophy. Last evaluated: 2023-08-30. Review status: criteria provided, single submitter. Criteria: Invitae Variant Classification Sherloc (09022015). Collection method: clinical testing. Allele origin: germline.
Comment: ClinVar contains an entry for this variant (Variation ID: 1487265). In summary, the available evidence is currently insufficient to determine the role of this variant in disease. Therefore, it has been classified as a Variant of Uncertain Significance. Advanced modeling of protein sequence and biophysical properties (such as structural, functional, and spatial information, amino acid conservation, physicochemical variation, residue mobility, and thermodynamic stability) performed at Invitae indicates that this missense variant is not expected to disrupt PLA2G6 protein function. This variant has not been reported in the literature in individuals affected with PLA2G6-related conditions. The frequency data for this variant in the population databases is considered unreliable, as metrics indicate poor data quality at this position in the gnomAD database. This sequence change replaces alanine, which is neutral and non-polar, with valine, which is neutral and non-polar, at codon 345 of the PLA2G6 protein (p.Ala345Val).

NM_003560.4(PLA2G6):c.1034C>T (p.Ala345Val)

Gene: PLA2G6 (phospholipase A2 group VI; minus strand). Cytogenetic location: 22q13.1.
Variant type: single nucleotide variant.
Coding change: c.1034C>T on transcript NM_003560.4 (MANE Select); coding-DNA position 1034, C replaced by T.
Protein change: p.Ala345Val; replaces alanine 345 with valine.
Molecular consequence: missense variant.
Genome position (GRCh38, 1-based): chr22:38,132,874, G>A on the plus strand (C>T on the coding strand, the complement: PLA2G6 is on the minus strand). VCF-style: chr22-38132874-G-A. GRCh37 (hg19) VCF-style: chr22-38528881-G-A.
Other names: c.1034C>T, p.Ala345Val (NM_001004426.3, NM_001199562.3, NM_001349864.2 and 2 more transcripts); c.500C>T, p.Ala167Val (NM_001349867.2, NM_001349869.2); c.356C>T, p.Ala119Val (NM_001349868.2); short protein forms A119V, A345V, A167V.
Identifiers: ClinVar variation 1487265 (VCV001487265.6), dbSNP rs1164473121, ClinGen allele CA411530694.